The following is an entry in ClinVar:

ClinVar aggregate classification (germline): Likely benign (0 of 4 stars; one submission).

Conditions:
ADCY3-related disorder. Also called: ADCY3-related condition.

Allele frequency attached by ClinVar (database versions not stated): gnomAD 0.00001; gnomAD exomes 0.00001; TOPMed 0.00002.
gnomAD v4.1: 13 of 1,613,942 alleles (0.00081%); highest among the groups gnomAD compares: East Asian, 0.0022%; no homozygotes.

Submission:

PreventionGenetics, part of Exact Sciences
Classification: Likely benign for ADCY3-related condition. Last evaluated: 2022-11-29. Review status: no assertion criteria provided. Collection method: clinical testing. Allele origin: germline.
Comment: This variant is classified as likely benign based on ACMG/AMP sequence variant interpretation guidelines (Richards et al. 2015 PMID: 25741868, with internal and published modifications).

NM_004036.5(ADCY3):c.3183C>T (p.Tyr1061=)

Genes: ADCY3 (adenylate cyclase 3; minus strand), CENPO (centromere protein O; plus strand). Cytogenetic location: 2p23.3.
Variant type: single nucleotide variant.
Coding change: c.3183C>T on transcript NM_004036.5 (MANE Select); coding-DNA position 3183, C replaced by T.
Protein change: p.Tyr1061=; no amino-acid change (tyrosine 1061 retained).
Molecular consequence: synonymous variant. On other transcripts: 3 prime UTR variant (3), non-coding transcript variant (3).
Genome position (GRCh38, 1-based): chr2:24,820,793, G>A on the plus strand (C>T on the coding strand, the complement: ADCY3 is on the minus strand). VCF-style: chr2-24820793-G-A. GRCh37 (hg19) VCF-style: chr2-25043662-G-A.
Other names: c.3186C>T, p.Tyr1062= (NM_001320613.2); c.3249C>T, p.Tyr1083= (NM_001377128.1); c.3045C>T, p.Tyr1015= (NM_001377129.1); c.2631C>T, p.Tyr877= (NM_001377130.1); c.2460C>T, p.Tyr820= (NM_001377131.1); c.3183C>T, p.Tyr1061= (NM_001377132.1); c.*1475G>A (NM_001199803.3, NM_001322101.2, NM_024322.4).
Identifiers: ClinVar variation 3047342 (VCV003047342.2), dbSNP rs1402883983, ClinGen allele CA425171651.